The following is an entry in ClinVar:

ClinVar aggregate classification (germline): Uncertain significance (1 of 4 stars; one submission).

Conditions:
RYR1-related disorder. Also called: RYR1-related condition; RYR1-related disorders. Identifiers: MedGen CN239331.

Submission:

Labcorp Genetics (formerly Invitae), Labcorp
Classification: Uncertain significance for RYR1-related disorder. Last evaluated: 2022-07-22. Review status: criteria provided, single submitter. Criteria: Invitae Variant Classification Sherloc (09022015). Collection method: clinical testing. Allele origin: germline.
Comment: In summary, the available evidence is currently insufficient to determine the role of this variant in disease. Therefore, it has been classified as a Variant of Uncertain Significance. Advanced modeling of protein sequence and biophysical properties (such as structural, functional, and spatial information, amino acid conservation, physicochemical variation, residue mobility, and thermodynamic stability) performed at Invitae indicates that this missense variant is not expected to disrupt RYR1 protein function. This variant has not been reported in the literature in individuals affected with RYR1-related conditions. This variant is not present in population databases (gnomAD no frequency). This sequence change replaces lysine, which is basic and polar, with asparagine, which is neutral and polar, at codon 4533 of the RYR1 protein (p.Lys4533Asn).

NM_000540.3(RYR1):c.13599G>T (p.Lys4533Asn)

Gene: RYR1 (ryanodine receptor 1; plus strand). Cytogenetic location: 19q13.2.
Variant type: single nucleotide variant.
Coding change: c.13599G>T on transcript NM_000540.3 (MANE Select); coding-DNA position 13599, G replaced by T.
Protein change: p.Lys4533Asn; replaces lysine 4533 with asparagine.
Molecular consequence: missense variant.
Genome position (GRCh38, 1-based): chr19:38,567,857, G>T. VCF-style: chr19-38567857-G-T. GRCh37 (hg19) VCF-style: chr19-39058497-G-T.
Other names: c.13584G>T, p.Lys4528Asn (NM_001042723.2); short protein forms K4528N, K4533N.
Identifiers: ClinVar variation 1713316 (VCV001713316.5), dbSNP rs1218373877, ClinGen allele CA405677903.